The following is an entry in ClinVar:

ClinVar aggregate classification (germline): Uncertain significance (1 of 4 stars; one submission).

Submission:

GeneDx
Classification: Uncertain significance. Last evaluated: 2025-05-03. Review status: criteria provided, single submitter. Criteria: GeneDx Variant Classification Process June 2021. Collection method: clinical testing. Allele origin: germline. Affected: yes.
Comment: Nonsense variant predicted to result in protein truncation as the last 29 amino acid(s) are lost; Has not been previously published as pathogenic or benign to our knowledge

NM_003235.5(TG):c.8218_8219del (p.Glu2739_Ser2740insTer)

Gene: TG (thyroglobulin; plus strand). Cytogenetic location: 8q24.22.
Variant type: Microsatellite.
Coding change: c.8218_8219del on transcript NM_003235.5 (MANE Select); coding-DNA positions 8218 to 8219, 2 bases deleted (AG; older notation c.8218_8219delAG).
Protein change: p.Glu2739_Ser2740insTer.
Molecular consequence: nonsense.
Genome position (GRCh38, 1-based): chr8:133,134,705-133,134,706, AG deleted; deleting any 2 consecutive bases within chr8:133,134,701-133,134,706 gives the same sequence; the c. name uses the placement nearest the transcript's 3' end. VCF-style (leftmost placement, unchanged base first): chr8-133134700-CAG-C. GRCh37 (hg19) VCF-style: chr8-134146944-CAG-C.
Identifiers: ClinVar variation 4526966 (VCV004526966.1).
Genomic context (GRCh38, chr8:133,134,700, plus strand): 5'-TGGCTTGGACCAACCTTCCTTGCCCCTCTGTTTCAGATGGAGCCAAGGGCGGGCAGTCAG[CAG>C]AGAGTGAAGAGGAGGAGTTGACGGCTGGATCTGGGCTAAGAGAAGATCTCCTAAGCCTCC-3'